The following is an entry in ClinVar:

ClinVar aggregate classification (germline): Benign. Review status: criteria provided, multiple submitters, no conflicts (2 of 4 stars). 6 submissions from 6 submitters: Benign (5). 1 of the submissions does not count toward it. Last evaluated 2026-02-01.

Conditions:
SYNE2-related disorder. Also called: SYNE2-related condition.
Emery-Dreifuss muscular dystrophy 5, autosomal dominant (EDMD5). Also called: EMERY-DREIFUSS MUSCULAR DYSTROPHY 5. Identifiers: Orphanet 261, MedGen C2751805, MONDO:0013072, OMIM 612999.

Allele frequency attached by ClinVar (database versions not stated): gnomAD exomes 0.03510 and 0.03772; ExAC 0.03570; 1000 Genomes Project 30x 0.03670; 1000 Genomes Project 0.03694; gnomAD 0.04544 and 0.04797; TOPMed 0.04685; ESP Exome Variant Server 0.04721.
gnomAD v4.1: 62,224 of 1,614,220 alleles (3.9%); highest among the groups gnomAD compares: African/African-American, 7.1%; 1,394 homozygotes.

Submissions (6):

Labcorp Genetics (formerly Invitae), Labcorp
Classification: Benign for Emery-Dreifuss muscular dystrophy 5, autosomal dominant. Last evaluated: 2026-02-01. Review status: criteria provided, single submitter. Criteria: Invitae Variant Classification Sherloc (09022015). Collection method: clinical testing. Allele origin: germline.

PreventionGenetics, part of Exact Sciences
Classification: Benign for SYNE2-related condition. Last evaluated: 2025-01-05. Review status: criteria provided, single submitter. Criteria: ACMG Guidelines, 2015. Collection method: clinical testing. Allele origin: germline.
Comment: This variant is classified as benign based on ACMG/AMP sequence variant interpretation guidelines (Richards et al. 2015 PMID: 25741868, with internal and published modifications).

GeneDx
Classification: Benign. Last evaluated: 2018-07-09. Review status: criteria provided, single submitter. Criteria: GeneDx Variant Classification Process June 2021. Collection method: clinical testing. Allele origin: germline. Affected: yes.

Illumina Laboratory Services, Illumina
Classification: Benign for Emery-Dreifuss muscular dystrophy 5, autosomal dominant. Last evaluated: 2018-01-13. Review status: criteria provided, single submitter. Criteria: ICSL Variant Classification Criteria 13 December 2019. Collection method: clinical testing. Allele origin: germline.
Comment: This variant was observed in the ICSL laboratory as part of a predisposition screen in an ostensibly healthy population. It had not been previously curated by ICSL or reported in the Human Gene Mutation Database (HGMD: prior to June 1st, 2018), and was therefore a candidate for classification through an automated scoring system. Utilizing variant allele frequency, disease prevalence and penetrance estimates, and inheritance mode, an automated score was calculated to assess if this variant is too frequent to cause the disease. Based on the score and internal cut-off values, a variant classified as benign is not then subjected to further curation. The score for this variant resulted in a classification of benign for this disease.

Breakthrough Genomics
Classification: Benign. Review status: criteria provided, single submitter. Criteria: ACMG Guidelines, 2015. Collection method: not provided. Allele origin: germline. Inheritance: Autosomal dominant inheritance. Affected: yes.

Genetic Services Laboratory, University of Chicago
Classification: Likely benign for AllHighlyPenetrant. Review status: no assertion criteria provided. Collection method: clinical testing. Allele origin: germline. Inheritance: Autosomal dominant inheritance. Not counted in ClinVar's aggregate classification.
Comment: Likely benign based on allele frequency in 1000 Genomes Project or ESP global frequency and its presence in a patient with a rare or unrelated disease phenotype. NOT Sanger confirmed.

NM_182914.3(SYNE2):c.16722A>G (p.Gln5574=)

Gene: SYNE2 (spectrin repeat containing nuclear envelope protein 2; plus strand). Cytogenetic location: 14q23.2.
Variant type: single nucleotide variant.
Coding change: c.16722A>G on transcript NM_182914.3 (MANE Select); coding-DNA position 16722, A replaced by G.
Protein change: p.Gln5574=; no amino-acid change (glutamine 5574 retained).
Molecular consequence: synonymous variant.
Genome position (GRCh38, 1-based): chr14:64,167,349, A>G. VCF-style: chr14-64167349-A-G. GRCh37 (hg19) VCF-style: chr14-64634067-A-G.
Other names: c.16722A>G, p.Gln5574= (NM_015180.6).
Identifiers: ClinVar variation 130484 (VCV000130484.21), dbSNP rs17101704, ClinGen allele CA155555.